The following is an entry in ClinVar:

NM_001384140.1(PCDH15):c.3456T>C (p.Gly1152=)

Gene: PCDH15 (protocadherin related 15; minus strand). Cytogenetic location: 10q21.1.
Variant type: single nucleotide variant.
Coding change: c.3456T>C on transcript NM_001384140.1 (MANE Select); coding-DNA position 3456, T replaced by C.
Protein change: p.Gly1152=; no amino-acid change (glycine 1152 retained).
Molecular consequence: synonymous variant.
Genome position (GRCh38, 1-based): chr10:53,903,288, A>G on the plus strand (T>C on the coding strand, the complement: PCDH15 is on the minus strand). VCF-style: chr10-53903288-A-G. GRCh37 (hg19) VCF-style: chr10-55663048-A-G.
Other names: c.3471T>C, p.Gly1157= (NM_001142763.2, NM_001142771.2); c.3456T>C, p.Gly1152= (NM_001142764.2, NM_001142766.2, NM_001142770.3 and 4 more transcripts); c.3243T>C, p.Gly1081= (NM_001142765.2); c.3345T>C, p.Gly1115= (NM_001142767.2); c.3390T>C, p.Gly1130= (NM_001142768.2, NM_001142773.2, NM_001354404.2); c.3492T>C, p.Gly1164= (NM_001142769.4); c.3477T>C, p.Gly1159= (NM_001354411.2).
Identifiers: ClinVar variation 763305 (VCV000763305.18), dbSNP rs202091131, ClinGen allele CA5505663.

ClinVar aggregate classification (germline): Conflicting classifications of pathogenicity. Review status: criteria provided, conflicting classifications (1 of 4 stars). 6 submissions from 6 submitters: Uncertain significance (1); Likely benign (4). 1 of the submissions does not count toward it. Last evaluated 2025-12-20.

Conditions:
Usher syndrome type 1 (USH1). Also called: RETINITIS PIGMENTOSA AND CONGENITAL DEAFNESS. Identifiers: Orphanet 231169, Orphanet 886, MedGen C1568247, MONDO:0010168, OMIM 276900.
Usher syndrome type 1F (USH1F). Also called: USHER SYNDROME, TYPE IF. Identifiers: Orphanet 231169, Orphanet 886, MedGen C1865885, MONDO:0011186, OMIM 602083.
PCDH15-related disorder. Also called: PCDH15-related condition; PCDH15-related disorders.

Allele frequency attached by ClinVar (database versions not stated): gnomAD 0.00004 and 0.00009; TOPMed 0.00008; 1000 Genomes Project 30x 0.00016; 1000 Genomes Project 0.00020.
gnomAD v4.1: 265 of 1,613,164 alleles (0.016%); highest among the groups gnomAD compares: East Asian, 0.58%; 3 homozygotes.

Submissions (6):

Labcorp Genetics (formerly Invitae), Labcorp
Classification: Likely benign. Last evaluated: 2025-12-20. Review status: criteria provided, single submitter. Criteria: Invitae Variant Classification Sherloc (09022015). Collection method: clinical testing. Allele origin: germline.

PreventionGenetics, part of Exact Sciences
Classification: Likely benign for PCDH15-related condition. Last evaluated: 2025-08-28. Review status: criteria provided, single submitter. Criteria: ACMG Guidelines, 2015. Collection method: clinical testing. Allele origin: germline.
Comment: This variant is classified as likely benign based on ACMG/AMP sequence variant interpretation guidelines (Richards et al. 2015 PMID: 25741868, with internal and published modifications).

Blueprint Genetics
Classification: Likely benign. Last evaluated: 2024-11-22. Review status: criteria provided, single submitter. Criteria: ACMG Guidelines, 2015. Collection method: clinical testing. Allele origin: germline.

GeneDx
Classification: Likely benign. Last evaluated: 2021-04-07. Review status: criteria provided, single submitter. Criteria: GeneDx Variant Classification Process June 2021. Collection method: clinical testing. Allele origin: germline. Affected: yes.

Illumina Laboratory Services, Illumina
Classification: Uncertain significance for Usher syndrome type 1. Last evaluated: 2018-01-12. Review status: criteria provided, single submitter. Criteria: ICSL Variant Classification Criteria 13 December 2019. Collection method: clinical testing. Allele origin: germline.

Natera, Inc.
Classification: Uncertain significance for Usher syndrome type 1F. Last evaluated: 2020-01-24. Review status: no assertion criteria provided. Collection method: clinical testing. Allele origin: germline. Not counted in ClinVar's aggregate classification.